The following is an entry in ClinVar:

ClinVar aggregate classification (germline): Uncertain significance. Review status: criteria provided, multiple submitters, no conflicts (2 of 4 stars). 2 submissions from 2 submitters: Uncertain significance (2). Last evaluated 2025-01-24.

Allele frequency attached by ClinVar (database versions not stated): ExAC 0.00001; gnomAD 0.00004; TOPMed 0.00012; 1000 Genomes Project 30x 0.00016; 1000 Genomes Project 0.00020; gnomAD exomes below 0.00001.
gnomAD v4.1: 12 of 1,614,208 alleles (0.00074%); highest among the groups gnomAD compares: Admixed American, 0.013%; no homozygotes.

Submissions (2):

Labcorp Genetics (formerly Invitae), Labcorp
Classification: Uncertain significance. Last evaluated: 2025-01-24. Review status: criteria provided, single submitter. Criteria: Invitae Variant Classification Sherloc (09022015). Collection method: clinical testing. Allele origin: germline.
Comment: This sequence change replaces isoleucine, which is neutral and non-polar, with valine, which is neutral and non-polar, at codon 215 of the KIF22 protein (p.Ile215Val). This variant is present in population databases (rs538207110, gnomAD 0.003%). This variant has not been reported in the literature in individuals affected with KIF22-related conditions. ClinVar contains an entry for this variant (Variation ID: 1387958). Invitae Evidence Modeling of protein sequence and biophysical properties (such as structural, functional, and spatial information, amino acid conservation, physicochemical variation, residue mobility, and thermodynamic stability) indicates that this missense variant is not expected to disrupt KIF22 protein function with a negative predictive value of 80%. In summary, the available evidence is currently insufficient to determine the role of this variant in disease. Therefore, it has been classified as a Variant of Uncertain Significance.

Ambry Genetics
Classification: Uncertain significance. Last evaluated: 2023-11-04. Review status: criteria provided, single submitter. Criteria: Ambry Variant Classification Scheme 2023. Collection method: clinical testing. Allele origin: germline.

NM_007317.3(KIF22):c.643A>G (p.Ile215Val)

Gene: KIF22 (kinesin family member 22; plus strand). Cytogenetic location: 16p11.2.
Variant type: single nucleotide variant.
Coding change: c.643A>G on transcript NM_007317.3 (MANE Select); coding-DNA position 643, A replaced by G.
Protein change: p.Ile215Val; replaces isoleucine 215 with valine.
Molecular consequence: missense variant.
Genome position (GRCh38, 1-based): chr16:29,799,068, A>G. VCF-style: chr16-29799068-A-G. GRCh37 (hg19) VCF-style: chr16-29810389-A-G.
Other names: c.643A>G (NM_007317.1); c.439A>G, p.Ile147Val (NM_001256269.2, NM_001256270.1); short protein forms I215V, I147V.
Identifiers: ClinVar variation 1387958 (VCV001387958.9), dbSNP rs538207110, ClinGen allele CA7993049.